The following is an entry in ClinVar:

ClinVar aggregate classification (germline): Uncertain significance. Review status: criteria provided, multiple submitters, no conflicts (2 of 4 stars). 4 submissions from 4 submitters: Uncertain significance (4). Last evaluated 2021-01-14.

Conditions:
Intellectual developmental disorder, autosomal recessive 47. Also called: Intellectual disability, autosomal recessive 47. Identifiers: Orphanet 88616, MedGen C4015444, MONDO:0014524, OMIM 616193.

Allele frequency attached by ClinVar (database versions not stated): gnomAD exomes 0.00020 and 0.00035; gnomAD 0.00028 and 0.00030; ESP Exome Variant Server 0.00023; TOPMed 0.00032; ExAC 0.00021.
gnomAD v4.1: 549 of 1,612,062 alleles (0.034%); highest among the groups gnomAD compares: Admixed American, 0.05%; no homozygotes.

Submissions (4):

Breda Genetics srl
Classification: Uncertain significance for Intellectual developmental disorder, autosomal recessive 47. Last evaluated: 2021-01-14. Review status: criteria provided, single submitter. Criteria: ACMG Guidelines, 2015. Collection method: clinical testing. Allele origin: germline. Inheritance: Autosomal recessive inheritance. Affected: yes. Observed: 1 variant allele, 1 heterozygote.
Comment: The variant c.4135C>A (p.Leu1379Ile) in the FMN2 gene is reported as of uncertain significance for autosomal recessive mental retardation 47 in ClinVar (Variation ID: 376966). The variant is reported with an estimated allele frequency of 0.0002 in gnomAD exomes and 0.0000646 in gnomAD genomes, with no homozygous individuals reported. The nucleotide position is moderately conserved across 35 mammalian species (GERP RS: 5.42). In silico analysis mostly indicates that the variant might be damaging.

Baylor Genetics
Classification: Uncertain significance for Intellectual developmental disorder, autosomal recessive 47. Last evaluated: 2018-10-28. Review status: criteria provided, single submitter. Criteria: ACMG Guidelines, 2015. Collection method: clinical testing. Allele origin: maternal. Affected: yes.
Comment: This variant was determined to be of uncertain significance according to ACMG Guidelines, 2015 [PMID:25741868].

Genetic Services Laboratory, University of Chicago
Classification: Uncertain significance. Last evaluated: 2016-12-16. Review status: criteria provided, single submitter. Criteria: ACMG Guidelines, 2015. Collection method: clinical testing. Allele origin: germline. Affected: no.

Center for Pediatric Genomic Medicine, Children's Mercy Hospital and Clinics
Classification: Uncertain significance. Last evaluated: 2016-09-28. Review status: criteria provided, single submitter. Criteria: ACMG Guidelines, 2015. Collection method: clinical testing. Allele origin: germline.
ClinVar note: Converted during submission from Uncertain Significance to Uncertain significance.

NM_020066.5(FMN2):c.4123C>A (p.Leu1375Ile)

Genes: FMN2 (formin 2; plus strand), LOC126806069 (CDK7 strongly-dependent group 2 enhancer GRCh37_chr1:240421073-240422272; plus strand). Cytogenetic location: 1q43.
Variant type: single nucleotide variant.
Coding change: c.4123C>A on transcript NM_020066.5 (MANE Select); coding-DNA position 4123, C replaced by A.
Protein change: p.Leu1375Ile; replaces leucine 1375 with isoleucine.
Molecular consequence: missense variant.
Genome position (GRCh38, 1-based): chr1:240,258,002, C>A. VCF-style: chr1-240258002-C-A. GRCh37 (hg19) VCF-style: chr1-240421302-C-A.
Other names: c.4135C>A, p.Leu1379Ile (NM_001305424.2); c.2044C>A, p.Leu682Ile (NM_001348094.2); short protein forms L1379I, L1375I, L682I.
Identifiers: ClinVar variation 376966 (VCV000376966.10), dbSNP rs146873580, ClinGen allele CA1477406.